The following is an entry in ClinVar:

ClinVar aggregate classification (germline): Likely benign (1 of 4 stars; one submission).

Allele frequency attached by ClinVar (database versions not stated): gnomAD exomes below 0.00001.
gnomAD v4.1: 1 of 1,590,420 alleles (0.000063%); highest among the groups gnomAD compares: South Asian, 0.0011%; no homozygotes.

Submission:

CeGaT Center for Human Genetics Tuebingen
Classification: Likely benign. Last evaluated: 2022-10-01. Review status: criteria provided, single submitter. Criteria: CeGaT Center For Human Genetics Tuebingen Variant Classification Criteria Version 2. Collection method: clinical testing. Allele origin: germline. Affected: yes. Observed: 1 variant allele.
Comment: SERAC1: PM2:Supporting, BP4, BP7

NM_032861.4(SERAC1):c.1828+29G>A

Gene: SERAC1 (serine active site containing 1; minus strand). Cytogenetic location: 6q25.3.
Variant type: single nucleotide variant.
Coding change: c.1828+29G>A on transcript NM_032861.4 (MANE Select); 29 bases into the intron after coding-DNA position 1828, G replaced by A.
Molecular consequence: intron variant.
Genome position (GRCh38, 1-based): chr6:158,113,420, C>T on the plus strand (G>A on the coding strand, the complement: SERAC1 is on the minus strand). VCF-style: chr6-158113420-C-T. GRCh37 (hg19) VCF-style: chr6-158534452-C-T.
Identifiers: ClinVar variation 2657082 (VCV002657082.24), dbSNP rs2483455528, ClinGen allele CA2680955484.